The following is an entry in ClinVar:

ClinVar aggregate classification (germline): Uncertain significance (1 of 4 stars; one submission).

Conditions:
Mucopolysaccharidosis, MPS-III-C (MPS3C). Also called: SANFILIPPO SYNDROME C; MPS III C; MPS IIIC (Sanfilippo Syndrome Type C); MUCOPOLYSACCHARIDOSIS, TYPE IIIC; Mucopolysaccharidosis type IIIC (Sanfilippo C); mucopolysaccharidosis type 3C. Identifiers: Orphanet 581, Orphanet 79271, MedGen C0086649, MONDO:0009657, OMIM 252930.
Retinitis pigmentosa 73 (RP73). Identifiers: Orphanet 791, MedGen C4225287, MONDO:0014687, OMIM 616544.

Allele frequency attached by ClinVar (database versions not stated): gnomAD exomes below 0.00001.
gnomAD v4.1: 1 of 1,613,708 alleles (0.000062%); highest among the groups gnomAD compares: Non-Finnish European, 0.000085%; no homozygotes.

Submission:

Labcorp Genetics (formerly Invitae), Labcorp
Classification: Uncertain significance for Retinitis pigmentosa 73; Mucopolysaccharidosis, MPS-III-C. Last evaluated: 2023-04-20. Review status: criteria provided, single submitter. Criteria: Invitae Variant Classification Sherloc (09022015). Collection method: clinical testing. Allele origin: germline.
Comment: In summary, the available evidence is currently insufficient to determine the role of this variant in disease. Therefore, it has been classified as a Variant of Uncertain Significance. Advanced modeling of protein sequence and biophysical properties (such as structural, functional, and spatial information, amino acid conservation, physicochemical variation, residue mobility, and thermodynamic stability) performed at Invitae indicates that this missense variant is not expected to disrupt HGSNAT protein function. ClinVar contains an entry for this variant (Variation ID: 1484424). This variant has not been reported in the literature in individuals affected with HGSNAT-related conditions. This variant is not present in population databases (gnomAD no frequency). This sequence change replaces proline, which is neutral and non-polar, with arginine, which is basic and polar, at codon 369 of the HGSNAT protein (p.Pro369Arg).

NM_152419.3(HGSNAT):c.1106C>G (p.Pro369Arg)

Gene: HGSNAT (heparan-alpha-glucosaminide N-acetyltransferase; plus strand). Cytogenetic location: 8p11.21.
Variant type: single nucleotide variant.
Coding change: c.1106C>G on transcript NM_152419.3 (MANE Select); coding-DNA position 1106, C replaced by G.
Protein change: p.Pro369Arg; replaces proline 369 with arginine.
Molecular consequence: missense variant.
Genome position (GRCh38, 1-based): chr8:43,182,238, C>G. VCF-style: chr8-43182238-C-G. GRCh37 (hg19) VCF-style: chr8-43037381-C-G.
Other names: c.1106C>G, p.Pro369Arg (NM_001363227.2); c.914C>G, p.Pro305Arg (NM_001363228.2); c.242C>G, p.Pro81Arg (NM_001363229.2); short protein forms P369R, P305R, P81R.
Identifiers: ClinVar variation 1484424 (VCV001484424.6), dbSNP rs2130783868, ClinGen allele CA371118490.